The following is an entry in ClinVar:

NM_000094.4(COL7A1):c.2291del (p.Pro764fs)

Gene: COL7A1 (collagen type VII alpha 1 chain; minus strand). Cytogenetic location: 3p21.31.
Variant type: Deletion.
Coding change: c.2291del on transcript NM_000094.4 (MANE Select); coding-DNA position 2291, one base deleted (C; older notation c.2291delC).
Protein change: p.Pro764fs; shifts the reading frame from proline 764.
Molecular consequence: frameshift variant.
Genome position (GRCh38, 1-based): chr3:48,589,350, G deleted on the plus strand (C on the coding strand, the reverse complement: COL7A1 is on the minus strand); the first of 5 consecutive G bases (chr3:48,589,350-48,589,354); deleting any one gives the same sequence. VCF-style (leftmost placement, unchanged base first): chr3-48589349-AG-A. GRCh37 (hg19) VCF-style: chr3-48626782-AG-A.
Other names: c.2291delC (NM_000094.3); short protein forms P764fs.
Identifiers: ClinVar variation 451065 (VCV000451065.2), dbSNP rs775496394, ClinGen allele CA658657295.

ClinVar aggregate classification (germline): Pathogenic (1 of 4 stars; one submission).

Submission:

GeneDx
Classification: Pathogenic. Last evaluated: 2017-07-27. Review status: criteria provided, single submitter. Criteria: GeneDx Variant Classification (06012015). Collection method: clinical testing. Allele origin: germline. Affected: yes.
Comment: The c.2291delC variant in the COL7A1 gene has not been reported previously as a pathogenic variant, nor as a benign variant, to our knowledge. The c.2291delC variant causes a frameshift starting with codon Proline 764, changes this amino acid to a Leucine residue, and creates a premature Stop codon at position 6 of the new reading frame, denoted p.Pro764LeufsX6. This variant is predicted to cause loss of normal protein function either through protein truncation or nonsense-mediated mRNA decay. The c.2291delC variant is not observed in large population cohorts (Lek et al., 2016; 1000 Genomes Consortium et al., 2015; Exome Variant Server). We interpret c.2291delC as a pathogenic variant.